The following is an entry in ClinVar:

ClinVar aggregate classification (germline): Benign/Likely benign. Review status: criteria provided, multiple submitters, no conflicts (2 of 4 stars). 4 submissions from 4 submitters: Benign (1); Likely benign (3). Last evaluated 2026-02-01.

Conditions:
Giant axonal neuropathy 1 (GAN1). Also called: GIANT AXONAL NEUROPATHY 1, AUTOSOMAL RECESSIVE; GAN-Related Neurodegeneration. Identifiers: Orphanet 643, MedGen C1850386, MONDO:0009749, OMIM 256850.

Allele frequency attached by ClinVar (database versions not stated): TOPMed 0.00059; ESP Exome Variant Server 0.00069; gnomAD exomes 0.00075 and 0.00095; gnomAD 0.00088 and 0.00093; ExAC 0.00102.
gnomAD v4.1: 1,130 of 1,488,362 alleles (0.076%); highest among the groups gnomAD compares: Non-Finnish European, 0.08%; no homozygotes.

Submissions (4):

Labcorp Genetics (formerly Invitae), Labcorp
Classification: Benign for Giant axonal neuropathy 1. Last evaluated: 2026-02-01. Review status: criteria provided, single submitter. Criteria: Invitae Variant Classification Sherloc (09022015). Collection method: clinical testing. Allele origin: germline.

Blueprint Genetics
Classification: Likely benign. Last evaluated: 2024-10-30. Review status: criteria provided, single submitter. Criteria: ACMG Guidelines, 2015. Collection method: clinical testing. Allele origin: germline.

ARUP Laboratories, Molecular Genetics and Genomics, ARUP Laboratories
Classification: Likely benign for Giant axonal neuropathy 1. Last evaluated: 2023-09-28. Review status: criteria provided, single submitter. Criteria: ARUP Molecular Germline Variant Investigation Process 2024. Collection method: clinical testing. Allele origin: germline.

GeneDx
Classification: Likely benign. Last evaluated: 2016-08-05. Review status: criteria provided, single submitter. Criteria: GeneDx Variant Classification (06012015). Collection method: clinical testing. Allele origin: germline. Affected: yes.
Comment: This variant is considered likely benign or benign based on one or more of the following criteria: it is a conservative change, it occurs at a poorly conserved position in the protein, it is predicted to be benign by multiple in silico algorithms, and/or has population frequency not consistent with disease.

NM_022041.4(GAN):c.283-20T>C

Gene: GAN (gigaxonin; plus strand). Cytogenetic location: 16q23.2.
Variant type: single nucleotide variant.
Coding change: c.283-20T>C on transcript NM_022041.4 (MANE Select); 20 bases into the intron before coding-DNA position 283, T replaced by C.
Molecular consequence: intron variant.
Genome position (GRCh38, 1-based): chr16:81,354,385, T>C. VCF-style: chr16-81354385-T-C. GRCh37 (hg19) VCF-style: chr16-81387990-T-C.
Other names: c.-357-20T>C (NM_001377486.1).
Identifiers: ClinVar variation 377911 (VCV000377911.10), dbSNP rs371984923, ClinGen allele CA8191330.